The following is an entry in ClinVar:

ClinVar aggregate classification (germline): Uncertain significance (1 of 4 stars; one submission).

Allele frequency attached by ClinVar (database versions not stated): gnomAD exomes below 0.00001; TOPMed 0.00001; gnomAD 0.00001.
gnomAD v4.1: 17 of 1,612,682 alleles (0.0011%); highest among the groups gnomAD compares: Admixed American, 0.0017%; no homozygotes.

Submission:

Labcorp Genetics (formerly Invitae), Labcorp
Classification: Uncertain significance. Last evaluated: 2021-09-02. Review status: criteria provided, single submitter. Criteria: Invitae Variant Classification Sherloc (09022015). Collection method: clinical testing. Allele origin: germline.
Comment: This sequence change replaces glutamine with arginine at codon 518 of the TYRP1 protein (p.Gln518Arg). The glutamine residue is moderately conserved and there is a small physicochemical difference between glutamine and arginine. This variant is not present in population databases (ExAC no frequency). This variant has not been reported in the literature in individuals affected with TYRP1-related conditions. Algorithms developed to predict the effect of missense changes on protein structure and function (SIFT, PolyPhen-2, Align-GVGD) all suggest that this variant is likely to be tolerated. In summary, the available evidence is currently insufficient to determine the role of this variant in disease. Therefore, it has been classified as a Variant of Uncertain Significance.

NM_000550.3(TYRP1):c.1553A>G (p.Gln518Arg)

Genes: LURAP1L-AS1 (LURAP1L antisense RNA 1; minus strand), TYRP1 (tyrosinase related protein 1; plus strand). Cytogenetic location: 9p23.
Variant type: single nucleotide variant.
Coding change: c.1553A>G on transcript NM_000550.3 (MANE Select); coding-DNA position 1553, A replaced by G.
Protein change: p.Gln518Arg; replaces glutamine 518 with arginine.
Molecular consequence: missense variant.
Genome position (GRCh38, 1-based): chr9:12,709,121, A>G. VCF-style: chr9-12709121-A-G. GRCh37 (hg19) VCF-style: chr9-12709121-A-G.
Other names: short protein forms Q518R.
Identifiers: ClinVar variation 1434364 (VCV001434364.5), dbSNP rs1361910709, ClinGen allele CA372932634.